The following is an entry in ClinVar:

NM_001267550.2(TTN):c.69841_69843dup (p.Lys23281dup)

Genes: TTN (titin; minus strand), TTN-AS1 (TTN antisense RNA 1; plus strand), LOC126806422 (BRD4-independent group 4 enhancer GRCh37_chr2:179440205-179441404; plus strand). Cytogenetic location: 2q31.2.
Variant type: Duplication.
Coding change: c.69841_69843dup on transcript NM_001267550.2 (MANE Select); coding-DNA positions 69841 to 69843, 3 bases duplicated (AAA; older notation c.69841_69843dupAAA).
Protein change: p.Lys23281dup; duplicates lysine 23281.
Molecular consequence: inframe insertion.
Genome position (GRCh38, 1-based): chr2:178,576,289-178,576,291, TTT duplicated on the plus strand (AAA on the coding strand, the reverse complement: TTN is on the minus strand); duplicating any 3 consecutive bases within chr2:178,576,289-178,576,293 gives the same sequence; the c. name uses the placement nearest the transcript's 3' end. VCF-style (leftmost placement, unchanged base first): chr2-178576288-C-CTTT. GRCh37 (hg19) VCF-style: chr2-179441015-C-CTTT.
Other names: c.64918_64920dup, p.Lys21640dup (NM_001256850.1); c.42646_42648dup, p.Lys14216dup (NM_003319.4); c.62137_62139dup, p.Lys20713dup (NM_133378.4); c.43021_43023dup, p.Lys14341dup (NM_133432.3); c.43222_43224dup, p.Lys14408dup (NM_133437.4); c.69841_69843dup (LRG_391t1).
Identifiers: ClinVar variation 448813 (VCV000448813.2), dbSNP rs869312075, ClinGen allele CA658657146.

ClinVar aggregate classification (germline): Uncertain significance (1 of 4 stars; one submission).

Submission:

Athena Diagnostics
Classification: Uncertain significance. Last evaluated: 2025-05-02. Review status: criteria provided, single submitter. Criteria: Athena Diagnostics Criteria. Collection method: clinical testing. Allele origin: unknown.
Comment: Available data are insufficient to determine the clinical significance of the variant at this time. This variant has not been reported in large, multi-ethnic general populations. Computational tools yielded predictions that this variant may result in the gain of a cryptic splice site without affecting the natural splice sites.